The following is an entry in ClinVar:

ClinVar aggregate classification (germline): Likely pathogenic (1 of 4 stars; one submission).

Conditions:
Dilated cardiomyopathy 1G (CMD1G). Identifiers: Orphanet 154, MedGen C1858763, MONDO:0011400, OMIM 604145.
Autosomal recessive limb-girdle muscular dystrophy type 2J (LGMDR10). Also called: MUSCULAR DYSTROPHY, LIMB-GIRDLE, AUTOSOMAL RECESSIVE 10; Limb-girdle muscular dystrophy, type 2J. Identifiers: Orphanet 140922, MedGen C1837342, MONDO:0012127, OMIM 608807.

Submission:

Labcorp Genetics (formerly Invitae), Labcorp
Classification: Likely pathogenic for Dilated cardiomyopathy 1G; Autosomal recessive limb-girdle muscular dystrophy type 2J. Last evaluated: 2024-10-18. Review status: criteria provided, single submitter. Criteria: Invitae Variant Classification Sherloc (09022015). Collection method: clinical testing. Allele origin: germline.
Comment: This sequence change creates a premature translational stop signal (p.Asp4461Glyfs*2) in the TTN gene. While this is not anticipated to result in nonsense mediated decay, it is expected to create a truncated TTN protein. This variant is not present in population databases (gnomAD no frequency). This variant has not been reported in the literature in individuals affected with TTN-related conditions. ClinVar contains an entry for this variant (Variation ID: 2036873). This variant is located in the I band of TTN (PMID: 25589632). Truncating variants in this region have been reported in individuals affected with autosomal recessive centronuclear myopathy (PMID: 23975875, internal data). Truncating variants in this region have also been identified in individuals affected with autosomal dominant dilated cardiomyopathy and/or cardio-related conditions (PMID: 27869827, 32964742, internal data). In summary, the currently available evidence indicates that the variant is pathogenic, but additional data are needed to prove that conclusively. Therefore, this variant has been classified as Likely Pathogenic.

Literature cited by the submitters: PubMed 25589632; PubMed 23975875; PubMed 27869827; PubMed 32964742.

NM_001267550.2(TTN):c.13382_13383del (p.Asp4461fs)

Gene: TTN (titin; minus strand). Cytogenetic location: 2q31.2.
Variant type: Deletion.
Coding change: c.13382_13383del on transcript NM_001267550.2 (MANE Select); coding-DNA positions 13382 to 13383, 2 bases deleted (AT; older notation c.13382_13383delAT).
Protein change: p.Asp4461fs; shifts the reading frame from aspartic acid 4461.
Molecular consequence: frameshift variant. On other transcripts: intron variant (1).
Genome position (GRCh38, 1-based): chr2:178,739,850-178,739,851, AT deleted on the plus strand (AT on the coding strand, the reverse complement: TTN is on the minus strand). VCF-style (leftmost placement, unchanged base first): chr2-178739849-CAT-C. GRCh37 (hg19) VCF-style: chr2-179604576-CAT-C.
Other names: c.12431_12432del, p.Asp4144fs (NM_001256850.1); c.12293_12294del, p.Asp4098fs (NM_003319.4); c.12668_12669del, p.Asp4223fs (NM_133432.3); c.12869_12870del, p.Asp4290fs (NM_133437.4); c.10361-1491_10361-1490del (NM_133378.4); short protein forms D4290fs, D4098fs, D4461fs, D4144fs, D4223fs.
Identifiers: ClinVar variation 2036873 (VCV002036873.4), dbSNP rs2530626301, ClinGen allele CA2580065102.
Genomic context (GRCh38, chr2:178,739,849, plus strand): 5'-ATATAATAGCACACAAAGCATCCCTAAGTTCCATTTTCAGGTTAGCCATTTGAGGATCAA[CAT>C]CTTCAATAATGATGGTTACTTCTTCTGTTACAGACTTTGCCGAAGTAACAAGGTACATGC-3'